The following is an entry in ClinVar:

NM_001379270.1(CNGA1):c.1580G>T (p.Gly527Val)

Genes: CNGA1 (cyclic nucleotide gated channel subunit alpha 1; minus strand), LOC101927157 (uncharacterized LOC101927157; plus strand). Cytogenetic location: 4p12.
Variant type: single nucleotide variant.
Coding change: c.1580G>T on transcript NM_001379270.1 (MANE Select); coding-DNA position 1580, G replaced by T.
Protein change: p.Gly527Val; replaces glycine 527 with valine.
Molecular consequence: missense variant.
Genome position (GRCh38, 1-based): chr4:47,936,902, C>A on the plus strand (G>T on the coding strand, the complement: CNGA1 is on the minus strand). VCF-style: chr4-47936902-C-A. GRCh37 (hg19) VCF-style: chr4-47938919-C-A.
Other names: c.1580G>T, p.Gly527Val (NM_000087.5, NM_001142564.2); short protein forms G527V.
Identifiers: ClinVar variation 933533 (VCV000933533.8), dbSNP rs1560616640, ClinGen allele CA356825068.

ClinVar aggregate classification (germline): Uncertain significance (1 of 4 stars; one submission).

Allele frequency attached by ClinVar (database versions not stated): TOPMed below 0.00001.
gnomAD v4.1: 5 of 1,614,114 alleles (0.00031%); highest among the groups gnomAD compares: Non-Finnish European, 0.00042%; no homozygotes.

Submission:

Labcorp Genetics (formerly Invitae), Labcorp
Classification: Uncertain significance. Last evaluated: 2019-11-05. Review status: criteria provided, single submitter. Criteria: Invitae Variant Classification Sherloc (09022015). Collection method: clinical testing. Allele origin: germline.
Comment: This variant has not been reported in the literature in individuals with CNGA1-related conditions. This sequence change replaces glycine with valine at codon 531 of the CNGA1 protein (p.Gly531Val). The glycine residue is highly conserved and there is a moderate physicochemical difference between glycine and valine. This variant is not present in population databases (ExAC no frequency). Algorithms developed to predict the effect of missense changes on protein structure and function (SIFT, PolyPhen-2, Align-GVGD) all suggest that this variant is likely to be disruptive, but these predictions have not been confirmed by published functional studies and their clinical significance is uncertain. In summary, the available evidence is currently insufficient to determine the role of this variant in disease. Therefore, it has been classified as a Variant of Uncertain Significance.